The following is an entry in ClinVar:

ClinVar aggregate classification (germline): Pathogenic (1 of 4 stars; one submission).

Submission:

Labcorp Genetics (formerly Invitae), Labcorp
Classification: Pathogenic. Last evaluated: 2022-09-01. Review status: criteria provided, single submitter. Criteria: Invitae Variant Classification Sherloc (09022015). Collection method: clinical testing. Allele origin: germline.
Comment: For these reasons, this variant has been classified as Pathogenic. ClinVar contains an entry for this variant (Variation ID: 1452991). This variant has not been reported in the literature in individuals affected with SORL1-related conditions. This variant is not present in population databases (gnomAD no frequency). This sequence change creates a premature translational stop signal (p.Met307Cysfs*29) in the SORL1 gene. It is expected to result in an absent or disrupted protein product. Loss-of-function variants in SORL1 are known to be pathogenic (PMID: 26303663, 27026413).

Literature cited by the submitters: PubMed 26303663; PubMed 27026413.

NM_003105.6(SORL1):c.919del (p.Met307fs)

Gene: SORL1 (sortilin related receptor 1; plus strand). Cytogenetic location: 11q24.1.
Variant type: Deletion.
Coding change: c.919del on transcript NM_003105.6 (MANE Select); coding-DNA position 919, one base deleted (A; older notation c.919delA).
Protein change: p.Met307fs; shifts the reading frame from methionine 307.
Molecular consequence: frameshift variant.
Genome position (GRCh38, 1-based): chr11:121,497,029, A deleted. VCF-style (leftmost placement, unchanged base first): chr11-121497028-CA-C. GRCh37 (hg19) VCF-style: chr11-121367737-CA-C.
Other names: short protein forms M307fs.
Identifiers: ClinVar variation 1452991 (VCV001452991.6), dbSNP rs2134823666, ClinGen allele CA2573146950.